The following is an entry in ClinVar:

NM_002693.3(POLG):c.2490C>G (p.Asp830Glu)

Gene: POLG (DNA polymerase gamma, catalytic subunit; minus strand). Cytogenetic location: 15q26.1.
Variant type: single nucleotide variant.
Coding change: c.2490C>G on transcript NM_002693.3 (MANE Select); coding-DNA position 2490, C replaced by G.
Protein change: p.Asp830Glu; replaces aspartic acid 830 with glutamic acid.
Molecular consequence: missense variant.
Genome position (GRCh38, 1-based): chr15:89,321,844, G>C on the plus strand (C>G on the coding strand, the complement: POLG is on the minus strand). VCF-style: chr15-89321844-G-C. GRCh37 (hg19) VCF-style: chr15-89865075-G-C.
Other names: c.2490C>G, p.Asp830Glu (NM_001126131.2); short protein forms D830E.
Identifiers: ClinVar variation 4802414 (VCV004802414.1).
Genomic context (GRCh38, chr15:89,321,844, plus strand): 5'-GATGGTGCCGGCAGTCACCACTTGGGGCAGGATGGCCCCATAGAGGCCTTCCTCATCATA[G>C]TCGGGGTGCCTGGTGGGGTGCAGGGGAAGGAAATGGGTCTTAGCAGGGTGCTTTGGCCTT-3'
Protein context (NP_002684.1, residues 820-840): ALPRAVIRHP[Asp830Glu]YDEEGLYGAI

ClinVar aggregate classification (germline): Uncertain significance (1 of 4 stars; one submission).

Conditions:
Progressive sclerosing poliodystrophy (MTDPS4A). Also called: ALPERS PROGRESSIVE INFANTILE POLIODYSTROPHY; NEURONAL DEGENERATION OF CHILDHOOD WITH LIVER DISEASE, PROGRESSIVE; Mitochondrial DNA Depletion Syndrome 4A; Alpers Syndrome; ALPERS DIFFUSE DEGENERATION OF CEREBRAL GRAY MATTER WITH HEPATIC CIRRHOSIS; Alpers-Huttenlocher Syndrome. Identifiers: Orphanet 726, MedGen C0205710, MONDO:0008758, OMIM 203700.

gnomAD v4.1: 1 of 1,613,834 alleles (0.000062%); highest among the groups gnomAD compares: South Asian, 0.0011%; no homozygotes.

Submission:

Labcorp Genetics (formerly Invitae), Labcorp
Classification: Uncertain significance for Progressive sclerosing poliodystrophy. Last evaluated: 2025-11-17. Review status: criteria provided, single submitter. Criteria: Invitae Variant Classification Sherloc (09022015). Collection method: clinical testing. Allele origin: germline.
Comment: This sequence change replaces aspartic acid, which is acidic and polar, with glutamic acid, which is acidic and polar, at codon 830 of the POLG protein (p.Asp830Glu). This variant is present in population databases (rs772976963, gnomAD 0.003%). This variant has not been reported in the literature in individuals affected with POLG-related conditions. Invitae Evidence Modeling of protein sequence and biophysical properties (such as structural, functional, and spatial information, amino acid conservation, physicochemical variation, residue mobility, and thermodynamic stability) indicates that this missense variant is not expected to disrupt POLG protein function with a negative predictive value of 95%. In summary, the available evidence is currently insufficient to determine the role of this variant in disease. Therefore, it has been classified as a Variant of Uncertain Significance.